The following is an entry in ClinVar:

NM_000255.4(MMUT):c.383del (p.Lys128fs)

Gene: MMUT (methylmalonyl-CoA mutase; minus strand). Cytogenetic location: 6p12.3.
Variant type: Deletion.
Coding change: c.383del on transcript NM_000255.4 (MANE Select); coding-DNA position 383, one base deleted (A; older notation c.383delA).
Protein change: p.Lys128fs; shifts the reading frame from lysine 128.
Molecular consequence: frameshift variant.
Genome position (GRCh38, 1-based): chr6:49,459,084, T deleted on the plus strand (A on the coding strand, the reverse complement: MMUT is on the minus strand); the first of 2 consecutive T bases (chr6:49,459,084-49,459,085); deleting either gives the same sequence. VCF-style (leftmost placement, unchanged base first): chr6-49459083-CT-C. GRCh37 (hg19) VCF-style: chr6-49426796-CT-C.
Other names: short protein forms K128fs.
Identifiers: ClinVar variation 5007071 (VCV005007071.3).

ClinVar aggregate classification (germline): Pathogenic/Likely pathogenic. Review status: criteria provided, multiple submitters, no conflicts (2 of 4 stars). 2 submissions from 2 submitters: Pathogenic (1); Likely pathogenic (1). Last evaluated 2026-01-27.

Conditions:
Methylmalonic aciduria due to methylmalonyl-CoA mutase deficiency (MAMM). Also called: Methylmalonic aciduria, mut type. Identifiers: Orphanet 27, MedGen C1855114, MONDO:0009612, OMIM 251000.

Submissions (2):

Myriad Genetics, Inc.
Classification: Pathogenic for Methylmalonic aciduria due to methylmalonyl-CoA mutase deficiency. Last evaluated: 2026-01-27. Review status: criteria provided, single submitter. Criteria: Myriad Autosomal Dominant, Autosomal Recessive and X-Linked Classification Criteria (2023). Collection method: clinical testing. Allele origin: unknown.
Comment: NM_000255.3(MMUT):c.383delA(K128Rfs*52) is expected to be pathogenic in the context of methylmalonic acidemia, MMUT-related. This variant is predicted to lead to an abnormal or absent protein product due to the creation of a premature termination codon in MMUT, a gene where loss-of-function variants are known to be pathogenic. Please note: this variant was assessed in the context of healthy population screening.

Juno Genomics, Hangzhou Juno Genomics, Inc
Classification: Likely pathogenic for Methylmalonic aciduria due to methylmalonyl-CoA mutase deficiency. Review status: criteria provided, single submitter. Criteria: ACMG Guidelines, 2015. Collection method: clinical testing. Allele origin: germline.
Comment: Null variant in a gene where loss of function (LOF) is a known mechanism of disease.;Absent from controls (or at extremely low frequency if recessive) in Genome Aggregation Database.